The following is an entry in ClinVar:

ClinVar aggregate classification (germline): Uncertain significance (1 of 4 stars; one submission).

Conditions:
Congenital myasthenic syndrome 4A. Also called: Myasthenic syndrome, congenital, 4a, slow-channel; MYASTHENIC SYNDROME, CONGENITAL, 4A, SLOW-CHANNEL, AUTOSOMAL RECESSIVE; CONGENITAL MYASTHENIC SYNDROME TYPE Ia1. Identifiers: Orphanet 590, MedGen C4225413, MONDO:0011600, OMIM 605809.

Submission:

Labcorp Genetics (formerly Invitae), Labcorp
Classification: Uncertain significance for Congenital myasthenic syndrome 4A. Last evaluated: 2021-08-27. Review status: criteria provided, single submitter. Criteria: Invitae Variant Classification Sherloc (09022015). Collection method: clinical testing. Allele origin: germline.
Comment: This sequence change replaces glycine with valine at codon 469 of the CHRNE protein (p.Gly469Val). The glycine residue is highly conserved and there is a moderate physicochemical difference between glycine and valine. This variant is not present in population databases (ExAC no frequency). This variant has not been reported in the literature in individuals affected with CHRNE-related conditions. Advanced modeling of protein sequence and biophysical properties (such as structural, functional, and spatial information, amino acid conservation, physicochemical variation, residue mobility, and thermodynamic stability) performed at Invitae indicates that this missense variant is expected to disrupt CHRNE protein function. In summary, the available evidence is currently insufficient to determine the role of this variant in disease. Therefore, it has been classified as a Variant of Uncertain Significance.

NM_000080.4(CHRNE):c.1406G>T (p.Gly469Val)

Gene: CHRNE (cholinergic receptor nicotinic epsilon subunit; minus strand). Cytogenetic location: 17p13.2.
Variant type: single nucleotide variant.
Coding change: c.1406G>T on transcript NM_000080.4 (MANE Select); coding-DNA position 1406, G replaced by T.
Protein change: p.Gly469Val; replaces glycine 469 with valine.
Molecular consequence: missense variant.
Genome position (GRCh38, 1-based): chr17:4,898,812, C>A on the plus strand (G>T on the coding strand, the complement: CHRNE is on the minus strand). VCF-style: chr17-4898812-C-A. GRCh37 (hg19) VCF-style: chr17-4802107-C-A.
Other names: short protein forms G469V.
Identifiers: ClinVar variation 1520917 (VCV001520917.5), dbSNP rs1346830083, ClinGen allele CA397297547.